The following is an entry in ClinVar:

NM_001394062.1(MACF1):c.3698G>A (p.Arg1233Gln)

Gene: MACF1 (microtubule actin crosslinking factor 1; plus strand). Cytogenetic location: 1p34.3.
Variant type: single nucleotide variant.
Coding change: c.3698G>A on transcript NM_001394062.1 (MANE Select); coding-DNA position 3698, G replaced by A.
Protein change: p.Arg1233Gln; replaces arginine 1233 with glutamine.
Molecular consequence: missense variant.
Genome position (GRCh38, 1-based): chr1:39,317,323, G>A. VCF-style: chr1-39317323-G-A. GRCh37 (hg19) VCF-style: chr1-39782995-G-A.
Other names: c.3713G>A (NM_012090.4); c.3713G>A, p.Arg1238Gln (NM_012090.5); short protein forms R1233Q, R1238Q.
Identifiers: ClinVar variation 2433587 (VCV002433587.7), dbSNP rs767291598, ClinGen allele CA780043.

ClinVar aggregate classification (germline): Conflicting classifications of pathogenicity. Review status: criteria provided, conflicting classifications (1 of 4 stars). 4 submissions from 4 submitters: Uncertain significance (3); Likely benign (1). Last evaluated 2025-10-01.

Conditions:
MACF1-related disorder. Also called: MACF1-related condition.
Lissencephaly 9 with complex brainstem malformation. Identifiers: Orphanet 572013, MedGen C5193029, MONDO:0032677, OMIM 618325.
Inborn genetic diseases. Identifiers: MedGen C0950123, MeSH D030342.

Allele frequency attached by ClinVar (database versions not stated): ExAC 0.00002; gnomAD exomes 0.00002; gnomAD 0.00003; TOPMed 0.00006.
gnomAD v4.1: 28 of 1,613,936 alleles (0.0017%); highest among the groups gnomAD compares: South Asian, 0.0022%; no homozygotes.

Submissions (4):

Ambry Genetics
Classification: Likely benign for Inborn genetic diseases. Last evaluated: 2025-10-01. Review status: criteria provided, single submitter. Criteria: Ambry Variant Classification Scheme 2023. Collection method: clinical testing. Allele origin: germline.

PreventionGenetics, part of Exact Sciences
Classification: Uncertain significance for MACF1-related condition. Last evaluated: 2025-03-07. Review status: criteria provided, single submitter. Criteria: ACMG Guidelines, 2015. Collection method: clinical testing. Allele origin: germline.
Comment: The MACF1 c.3713G>A variant is predicted to result in the amino acid substitution p.Arg1238Gln. To our knowledge, this variant has not been reported in the literature. This variant is reported in 0.0065% of alleles in individuals of South Asian descent in gnomAD. At this time, the clinical significance of this variant is uncertain due to the absence of conclusive functional and genetic evidence.

Labcorp Genetics (formerly Invitae), Labcorp
Classification: Uncertain significance. Last evaluated: 2024-12-14. Review status: criteria provided, single submitter. Criteria: Invitae Variant Classification Sherloc (09022015). Collection method: clinical testing. Allele origin: germline.
Comment: This sequence change replaces arginine, which is basic and polar, with glutamine, which is neutral and polar, at codon 1238 of the MACF1 protein (p.Arg1238Gln). This variant is present in population databases (rs767291598, gnomAD 0.007%). This variant has not been reported in the literature in individuals affected with MACF1-related conditions. ClinVar contains an entry for this variant (Variation ID: 2433587). An algorithm developed to predict the effect of missense changes on protein structure and function outputs the following: PolyPhen-2: "Benign". The glutamine amino acid residue is found in multiple mammalian species, which suggests that this missense change does not adversely affect protein function. In summary, the available evidence is currently insufficient to determine the role of this variant in disease. Therefore, it has been classified as a Variant of Uncertain Significance.

Revvity Omics, Revvity
Classification: Uncertain significance for Lissencephaly 9 with complex brainstem malformation. Last evaluated: 2023-03-07. Review status: criteria provided, single submitter. Criteria: ACMG Guidelines, 2015. Collection method: clinical testing. Allele origin: germline.